The following is an entry in ClinVar:

ClinVar aggregate classification (germline): Uncertain significance (1 of 4 stars; one submission).

Allele frequency attached by ClinVar (database versions not stated): gnomAD exomes below 0.00001.

Submission:

Labcorp Genetics (formerly Invitae), Labcorp
Classification: Uncertain significance. Last evaluated: 2025-08-21. Review status: criteria provided, single submitter. Criteria: Invitae Variant Classification Sherloc (09022015). Collection method: clinical testing. Allele origin: germline.
Comment: This sequence change replaces aspartic acid, which is acidic and polar, with glycine, which is neutral and non-polar, at codon 2067 of the GPR179 protein (p.Asp2067Gly). This variant is not present in population databases (gnomAD no frequency). This variant has not been reported in the literature in individuals affected with GPR179-related conditions. ClinVar contains an entry for this variant (Variation ID: 1365593). An algorithm developed to predict the effect of missense changes on protein structure and function (PolyPhen-2) suggests that this variant is likely to be tolerated. In summary, the available evidence is currently insufficient to determine the role of this variant in disease. Therefore, it has been classified as a Variant of Uncertain Significance.

NM_001004334.4(GPR179):c.6200A>G (p.Asp2067Gly)

Gene: GPR179 (G protein-coupled receptor 179; minus strand). Cytogenetic location: 17q12.
Variant type: single nucleotide variant.
Coding change: c.6200A>G on transcript NM_001004334.4 (MANE Select); coding-DNA position 6200, A replaced by G.
Protein change: p.Asp2067Gly; replaces aspartic acid 2067 with glycine.
Molecular consequence: missense variant.
Genome position (GRCh38, 1-based): chr17:38,327,369, T>C on the plus strand (A>G on the coding strand, the complement: GPR179 is on the minus strand). VCF-style: chr17-38327369-T-C. GRCh37 (hg19) VCF-style: chr17-36483252-T-C.
Other names: short protein forms D2067G.
Identifiers: ClinVar variation 1365593 (VCV001365593.6), dbSNP rs1597661251, ClinGen allele CA398869962.